The following is an entry in ClinVar:

NM_022356.4(P3H1):c.978C>T (p.Thr326=)

Gene: P3H1 (prolyl 3-hydroxylase 1; minus strand). Cytogenetic location: 1p34.2.
Variant type: single nucleotide variant.
Coding change: c.978C>T on transcript NM_022356.4 (MANE Select); coding-DNA position 978, C replaced by T.
Protein change: p.Thr326=; no amino-acid change (threonine 326 retained).
Molecular consequence: synonymous variant.
Genome position (GRCh38, 1-based): chr1:42,757,885, G>A on the plus strand (C>T on the coding strand, the complement: P3H1 is on the minus strand). VCF-style: chr1-42757885-G-A. GRCh37 (hg19) VCF-style: chr1-43223556-G-A.
Other names: p.Thr326=; c.978C>T, p.Thr326= (NM_001146289.2, NM_001243246.2).
Identifiers: ClinVar variation 468990 (VCV000468990.30), dbSNP rs74070022, ClinGen allele CA802006.

ClinVar aggregate classification (germline): Conflicting classifications of pathogenicity. Review status: criteria provided, conflicting classifications (1 of 4 stars). 6 submissions from 6 submitters: Uncertain significance (1); Benign (5). Last evaluated 2026-02-02.

Conditions:
Osteogenesis imperfecta (OI). Identifiers: Orphanet 666, MedGen C0029434, MeSH D010013, MONDO:0019019.
Osteogenesis Imperfecta, Recessive.
Osteogenesis imperfecta type 8 (OI8). Identifiers: MedGen C1970458, MONDO:0012581, OMIM 610915.

Allele frequency attached by ClinVar (database versions not stated): gnomAD exomes 0.00297; ExAC 0.00359; gnomAD 0.01168 and 0.01251; 1000 Genomes Project 0.01258; 1000 Genomes Project 30x 0.01296; TOPMed 0.01381; ESP Exome Variant Server 0.01384.
gnomAD v4.1: 3,526 of 1,614,188 alleles (0.22%); highest among the groups gnomAD compares: African/African-American, 4.3%; 60 homozygotes.

Submissions (6):

Labcorp Genetics (formerly Invitae), Labcorp
Classification: Benign for Osteogenesis imperfecta type 8. Last evaluated: 2026-02-02. Review status: criteria provided, single submitter. Criteria: Invitae Variant Classification Sherloc (09022015). Collection method: clinical testing. Allele origin: germline.

ARUP Laboratories, Molecular Genetics and Genomics, ARUP Laboratories
Classification: Benign for Osteogenesis imperfecta type 8. Last evaluated: 2025-06-20. Review status: criteria provided, single submitter. Criteria: ARUP Molecular Germline Variant Investigation Process 2024. Collection method: clinical testing. Allele origin: germline.

Mayo Clinic Laboratories, Mayo Clinic
Classification: Benign. Last evaluated: 2023-06-22. Review status: criteria provided, single submitter. Criteria: ACMG Guidelines, 2015. Collection method: clinical testing. Allele origin: germline. Observed: 4 variant alleles.
Comment: BS1, BS2

Genome Diagnostics Laboratory, The Hospital for Sick Children
Classification: Benign for Osteogenesis imperfecta. Last evaluated: 2021-12-06. Review status: criteria provided, single submitter. Criteria: ACMG Guidelines, 2015. Collection method: clinical testing. Allele origin: germline.

Illumina Laboratory Services, Illumina
Classification: Uncertain significance for Osteogenesis Imperfecta, Recessive. Last evaluated: 2017-04-27. Review status: criteria provided, single submitter. Criteria: ICSL Variant Classification Criteria 13 December 2019. Collection method: clinical testing. Allele origin: germline.

GeneDx
Classification: Benign. Last evaluated: 2017-01-18. Review status: criteria provided, single submitter. Criteria: GeneDx Variant Classification (06012015). Collection method: clinical testing. Allele origin: germline. Affected: yes.
Comment: This variant is considered likely benign or benign based on one or more of the following criteria: it is a conservative change, it occurs at a poorly conserved position in the protein, it is predicted to be benign by multiple in silico algorithms, and/or has population frequency not consistent with disease.